The following is an entry in ClinVar:

NM_001370466.1(NOD2):c.1958G>A (p.Gly653Glu)

Gene: NOD2 (nucleotide binding oligomerization domain containing 2; plus strand). Cytogenetic location: 16q12.1.
Variant type: single nucleotide variant.
Coding change: c.1958G>A on transcript NM_001370466.1 (MANE Select); coding-DNA position 1958, G replaced by A.
Protein change: p.Gly653Glu; replaces glycine 653 with glutamic acid.
Molecular consequence: missense variant. On other transcripts: non-coding transcript variant (1).
Genome position (GRCh38, 1-based): chr16:50,711,950, G>A. VCF-style: chr16-50711950-G-A. GRCh37 (hg19) VCF-style: chr16-50745861-G-A.
Other names: c.1958G>A, p.Gly653Glu (NM_001293557.2); c.2039G>A, p.Gly680Glu (NM_022162.3); short protein forms G653E, G680E.
Identifiers: ClinVar variation 3759144 (VCV003759144.2).

ClinVar aggregate classification (germline): Uncertain significance (1 of 4 stars; one submission).

Conditions:
Regional enteritis. Also called: Enteritis, Granulomatous. Identifiers: MedGen C0678202, MeSH D003424.
Blau syndrome (BLAUS). Also called: ARTHROCUTANEOUVEAL GRANULOMATOSIS; GRANULOMATOSIS, FAMILIAL JUVENILE SYSTEMIC; GRANULOMATOSIS, FAMILIAL, BLAU TYPE; GRANULOMATOUS INFLAMMATORY ARTHRITIS, DERMATITIS, AND UVEITIS, FAMILIAL; JABS SYNDROME. Identifiers: Orphanet 90340, MedGen C5201146, MONDO:0008523, OMIM 186580.

Submission:

Labcorp Genetics (formerly Invitae), Labcorp
Classification: Uncertain significance for Regional enteritis; Blau syndrome. Last evaluated: 2025-01-23. Review status: criteria provided, single submitter. Criteria: Invitae Variant Classification Sherloc (09022015). Collection method: clinical testing. Allele origin: germline.
Comment: This sequence change replaces glycine, which is neutral and non-polar, with glutamic acid, which is acidic and polar, at codon 680 of the NOD2 protein (p.Gly680Glu). This variant is not present in population databases (gnomAD no frequency). This variant has not been reported in the literature in individuals affected with NOD2-related conditions. Invitae Evidence Modeling of protein sequence and biophysical properties (such as structural, functional, and spatial information, amino acid conservation, physicochemical variation, residue mobility, and thermodynamic stability) indicates that this missense variant is expected to disrupt NOD2 protein function with a positive predictive value of 95%. In summary, the available evidence is currently insufficient to determine the role of this variant in disease. Therefore, it has been classified as a Variant of Uncertain Significance.